The following is an entry in ClinVar:

ClinVar aggregate classification (germline): Uncertain significance. Review status: criteria provided, multiple submitters, no conflicts (2 of 4 stars). 2 submissions from 2 submitters: Uncertain significance (2). Last evaluated 2026-03-05.

Conditions:
Hereditary cancer-predisposing syndrome. Also called: Tumor predisposition; Hereditary Cancer Syndrome; Hereditary neoplastic syndrome; Neoplastic Syndromes, Hereditary. Identifiers: Orphanet 140162, MedGen C0027672, MeSH D009386, MONDO:0015356.

Allele frequency attached by ClinVar (database versions not stated): gnomAD exomes below 0.00001.
gnomAD v4.1: 1 of 1,613,090 alleles (0.000062%); highest among the groups gnomAD compares: Non-Finnish European, 0.000085%; no homozygotes.

Submissions (2):

Ambry Genetics
Classification: Uncertain significance for Hereditary cancer-predisposing syndrome. Last evaluated: 2026-03-05. Review status: criteria provided, single submitter. Criteria: Ambry Variant Classification Scheme 2023. Collection method: clinical testing. Allele origin: germline.
Comment: The p.C62R variant (also known as c.184T>C), located in coding exon 2 of the BARD1 gene, results from a T to C substitution at nucleotide position 184. The cysteine at codon 62 is replaced by arginine, an amino acid with highly dissimilar properties. This amino acid position is well conserved in available vertebrate species. In addition, the in silico prediction for this alteration is inconclusive. Based on the available evidence, the clinical significance of this variant remains unclear.

Color Diagnostics, LLC DBA Color Health
Classification: Uncertain significance for Hereditary cancer-predisposing syndrome. Last evaluated: 2023-12-21. Review status: criteria provided, single submitter. Criteria: ACMG Guidelines, 2015. Collection method: clinical testing. Allele origin: germline.
Comment: This missense variant replaces cysteine with arginine at codon 62 of the BARD1 protein. Computational prediction is inconclusive regarding the impact of this variant on protein structure and function. To our knowledge, functional studies have not been reported for this variant. This variant has not been reported in individuals affected with BARD1-related disorders in the literature. This variant has been identified in 1/251168 chromosomes in the general population by the Genome Aggregation Database (gnomAD). The available evidence is insufficient to determine the role of this variant in disease conclusively. Therefore, this variant is classified as a Variant of Uncertain Significance.

NM_000465.4(BARD1):c.184T>C (p.Cys62Arg)

Gene: BARD1 (BRCA1 associated RING domain 1; minus strand). Cytogenetic location: 2q35.
Variant type: single nucleotide variant.
Coding change: c.184T>C on transcript NM_000465.4 (MANE Select); coding-DNA position 184, T replaced by C.
Protein change: p.Cys62Arg; replaces cysteine 62 with arginine.
Molecular consequence: missense variant. On other transcripts: non-coding transcript variant (2), intron variant (2).
Genome position (GRCh38, 1-based): chr2:214,797,092, A>G on the plus strand (T>C on the coding strand, the complement: BARD1 is on the minus strand). VCF-style: chr2-214797092-A-G. GRCh37 (hg19) VCF-style: chr2-215661816-A-G.
Other names: c.184T>C, p.Cys62Arg (NM_001282545.2, NM_001282549.2); c.158+12320T>C (NM_001282548.2); c.159-4647T>C (NM_001282543.2); c.184T>C (NM_000465.2); short protein forms C62R.
Identifiers: ClinVar variation 2774797 (VCV002774797.3), dbSNP rs1386477312, ClinGen allele CA350462260.